The following is an entry in ClinVar:

NM_000063.6(C2):c.2174C>T (p.Pro725Leu)

Gene: C2 (complement C2; plus strand). Cytogenetic location: 6p21.33.
Variant type: single nucleotide variant.
Coding change: c.2174C>T on transcript NM_000063.6 (MANE Select); coding-DNA position 2174, C replaced by T.
Protein change: p.Pro725Leu; replaces proline 725 with leucine.
Molecular consequence: missense variant.
Genome position (GRCh38, 1-based): chr6:31,945,272, C>T. VCF-style: chr6-31945272-C-T. GRCh37 (hg19) VCF-style: chr6-31913049-C-T.
Other names: c.1778C>T, p.Pro593Leu (NM_001145903.3); c.1532C>T, p.Pro511Leu (NM_001178063.3); c.1436C>T, p.Pro479Leu (NM_001282457.2); c.2087C>T, p.Pro696Leu (NM_001282458.2); short protein forms P696L, P725L, P479L, P511L, P593L.
Identifiers: ClinVar variation 1461297 (VCV001461297.5), dbSNP rs760072899, ClinGen allele CA3727903.
Genomic context (GRCh38, chr6:31,945,272, plus strand): 5'-GCCTTGGCTCTGCTGACAAAAACTCCCGCAAAAGGGCCCCTCGTAGCAAGGTCCCGCCGC[C>T]ACGAGACTTTCACATCAATCTCTTCCGCATGCAGCCCTGGCTGAGGCAGCACCTGGGGGA-3'
Protein context (NP_000054.2, residues 715-735): KRAPRSKVPP[Pro725Leu]RDFHINLFRM

ClinVar aggregate classification (germline): Uncertain significance (1 of 4 stars; one submission).

Allele frequency attached by ClinVar (database versions not stated): ExAC 0.00001; gnomAD 0.00001; gnomAD exomes 0.00001.
gnomAD v4.1: 17 of 1,612,882 alleles (0.0011%); highest among the groups gnomAD compares: Non-Finnish European, 0.0014%; no homozygotes.

Submission:

Labcorp Genetics (formerly Invitae), Labcorp
Classification: Uncertain significance. Last evaluated: 2022-08-23. Review status: criteria provided, single submitter. Criteria: Invitae Variant Classification Sherloc (09022015). Collection method: clinical testing. Allele origin: germline.
Comment: This sequence change replaces proline, which is neutral and non-polar, with leucine, which is neutral and non-polar, at codon 725 of the C2 protein (p.Pro725Leu). This variant is present in population databases (rs760072899, gnomAD 0.002%). This variant has not been reported in the literature in individuals affected with C2-related conditions. ClinVar contains an entry for this variant (Variation ID: 1461297). Algorithms developed to predict the effect of missense changes on protein structure and function (SIFT, PolyPhen-2, Align-GVGD) all suggest that this variant is likely to be tolerated. In summary, the available evidence is currently insufficient to determine the role of this variant in disease. Therefore, it has been classified as a Variant of Uncertain Significance.